The following is an entry in ClinVar:

NM_001267550.2(TTN):c.44815+176A>C

Gene: TTN (titin; minus strand). Cytogenetic location: 2q31.2.
Variant type: single nucleotide variant.
Coding change: c.44815+176A>C on transcript NM_001267550.2 (MANE Select); 176 bases into the intron after coding-DNA position 44815, A replaced by C.
Molecular consequence: intron variant.
Genome position (GRCh38, 1-based): chr2:178,624,289, T>G on the plus strand (A>C on the coding strand, the complement: TTN is on the minus strand). VCF-style: chr2-178624289-T-G. GRCh37 (hg19) VCF-style: chr2-179489016-T-G.
Other names: c.17620+176A>C (NM_003319.4); c.18196+176A>C (NM_133437.4); c.17995+176A>C (NM_133432.3); c.37111+176A>C (NM_133378.4); c.39892+176A>C (NM_001256850.1).
Identifiers: ClinVar variation 676350 (VCV000676350.1), dbSNP rs137910246, ClinGen allele CA60996610.

ClinVar aggregate classification (germline): Likely benign (1 of 4 stars; one submission).

Allele frequency attached by ClinVar (database versions not stated): TOPMed 0.00049; 1000 Genomes Project 0.00100; gnomAD 0.00146 and 0.00150.
gnomAD v4.1: 223 of 152,094 alleles (0.15%); highest among the groups gnomAD compares: East Asian, 0.39%; 2 homozygotes.

Submission:

GeneDx
Classification: Likely benign. Last evaluated: 2018-06-16. Review status: criteria provided, single submitter. Criteria: GeneDx Variant Classification (06012015). Collection method: clinical testing. Allele origin: germline. Affected: yes.
Comment: This variant is considered likely benign or benign based on one or more of the following criteria: it is a conservative change, it occurs at a poorly conserved position in the protein, it is predicted to be benign by multiple in silico algorithms, and/or has population frequency not consistent with disease.